The following is an entry in ClinVar:

ClinVar aggregate classification (germline): Uncertain significance (1 of 4 stars; one submission).

Conditions:
Early-infantile DEE. Also called: Early infantile epileptic encephalopathy with suppression bursts; Early infantile epileptic encephalopathy; Ohtahara syndrome. Identifiers: Orphanet 1934, MedGen C0393706, MONDO:0800491.

Submission:

Labcorp Genetics (formerly Invitae), Labcorp
Classification: Uncertain significance for Early-infantile DEE. Last evaluated: 2021-12-06. Review status: criteria provided, single submitter. Criteria: Invitae Variant Classification Sherloc (09022015). Collection method: clinical testing. Allele origin: germline.
Comment: In summary, the available evidence is currently insufficient to determine the role of this variant in disease. Therefore, it has been classified as a Variant of Uncertain Significance. Advanced modeling of protein sequence and biophysical properties (such as structural, functional, and spatial information, amino acid conservation, physicochemical variation, residue mobility, and thermodynamic stability) performed at Invitae indicates that this missense variant is expected to disrupt SCN1A protein function. This sequence change replaces proline, which is neutral and non-polar, with threonine, which is neutral and polar, at codon 70 of the SCN1A protein (p.Pro70Thr). This variant is not present in population databases (gnomAD no frequency). This variant has not been reported in the literature in individuals affected with SCN1A-related conditions.

NM_001165963.4(SCN1A):c.208C>A (p.Pro70Thr)

Gene: SCN1A (sodium voltage-gated channel alpha subunit 1; minus strand). Cytogenetic location: 2q24.3.
Variant type: single nucleotide variant.
Coding change: c.208C>A on transcript NM_001165963.4 (MANE Select); coding-DNA position 208, C replaced by A.
Protein change: p.Pro70Thr; replaces proline 70 with threonine.
Molecular consequence: missense variant. On other transcripts: 5 prime UTR variant (1), non-coding transcript variant (1).
Genome position (GRCh38, 1-based): chr2:166,073,414, G>T on the plus strand (C>A on the coding strand, the complement: SCN1A is on the minus strand). VCF-style: chr2-166073414-G-T. GRCh37 (hg19) VCF-style: chr2-166929924-G-T.
Other names: c.208C>A, p.Pro70Thr (NM_001165964.3, NM_001202435.3, NM_001353948.2 and 10 more transcripts); c.-2218C>A (NM_001353961.2); short protein forms P70T.
Identifiers: ClinVar variation 1396084 (VCV001396084.7), dbSNP rs2105982466, ClinGen allele CA349242808.